The following is an entry in ClinVar:

NM_000038.6(APC):c.422+10C>G

Gene: APC (APC regulator of Wnt signaling pathway; plus strand). Cytogenetic location: 5q22.2.
Variant type: single nucleotide variant.
Coding change: c.422+10C>G on transcript NM_000038.6 (MANE Select); 10 bases into the intron after coding-DNA position 422, C replaced by G.
Molecular consequence: intron variant.
Genome position (GRCh38, 1-based): chr5:112,767,400, C>G. VCF-style: chr5-112767400-C-G. GRCh37 (hg19) VCF-style: chr5-112103097-C-G.
Other names: c.422+10C>G (NM_001354895.2, NM_001127510.3, NM_001354896.2 and 2 more transcripts); c.452+10C>G (NM_001354897.2, NM_001354902.2, NM_001127511.3); c.347+10C>G (NM_001354898.2, NM_001354904.2); c.-614+10C>G (NM_001354906.2); c.245+10C>G (NM_001354900.2, NM_001354901.2, NM_001354905.2).
Identifiers: ClinVar variation 1646016 (VCV001646016.10), dbSNP rs899376835, ClinGen allele CA2573138624.

ClinVar aggregate classification (germline): Likely benign. Review status: criteria provided, multiple submitters, no conflicts (2 of 4 stars). 3 submissions from 3 submitters: Likely benign (3). Last evaluated 2025-05-07.

Conditions:
Colorectal cancer. Also called: Colorectal cancer, somatic; Malignant Colorectal Neoplasm. Identifiers: MedGen C0346629, MONDO:0005575, OMIM 114500.
Gastric cancer. Also called: Stomach cancer; Malignant tumor of stomach. Identifiers: MedGen C0024623, MeSH D013274, MONDO:0001056, OMIM 613659, HP:0012126.
Hepatocellular carcinoma (HCC). Also called: Primary carcinoma of liver; HEPATOMA; LIVER CELL CARCINOMA. Identifiers: Orphanet 88673, MedGen C2239176, MONDO:0007256, OMIM 114550, HP:0001402.
Gastric adenocarcinoma and proximal polyposis of the stomach (GAPPS). Also called: Polyposis, gastric, Dos Santos and de Magalhaes 1980; POLYPOSIS, GASTRIC; Gastric Adenocarcinoma and Proximal Polyposis of the Stomach (GAPPS). Identifiers: Orphanet 314022, MedGen C4749917, MONDO:0017790, OMIM 619182.
Desmoid disease, hereditary (DESMD). Also called: FIBROMATOSIS, FAMILIAL INFILTRATIVE. Identifiers: Orphanet 873, MedGen C1851124, OMIM 135290. Disease mechanism: loss of function.
Familial adenomatous polyposis 1 (FAP1). Also called: FAMILIAL ADENOMATOUS POLYPOSIS 1, ATTENUATED; POLYPOSIS, ADENOMATOUS INTESTINAL. Identifiers: MedGen C2713442, MONDO:0021056, OMIM 175100. Disease mechanism: loss of function.

Submissions (3):

Labcorp Genetics (formerly Invitae), Labcorp
Classification: Likely benign for Familial adenomatous polyposis 1. Last evaluated: 2025-05-07. Review status: criteria provided, single submitter. Criteria: Invitae Variant Classification Sherloc (09022015). Collection method: clinical testing. Allele origin: germline.

Myriad Genetics, Inc.
Classification: Likely benign for Familial adenomatous polyposis 1. Last evaluated: 2024-02-23. Review status: criteria provided, single submitter. Criteria: Myriad Autosomal Dominant, Autosomal Recessive and X-Linked Classification Criteria (2023). Collection method: clinical testing. Allele origin: unknown.
Comment: This variant is considered likely benign. This variant is intronic and is not expected to impact mRNA splicing.

Fulgent Genetics
Classification: Likely benign for Colorectal cancer; Hepatocellular carcinoma; Desmoid disease, hereditary; Familial adenomatous polyposis 1; Gastric cancer; Gastric adenocarcinoma and proximal polyposis of the stomach. Last evaluated: 2021-11-24. Review status: criteria provided, single submitter. Criteria: ACMG Guidelines, 2015. Collection method: clinical testing. Allele origin: unknown.